The following is an entry in ClinVar:

ClinVar aggregate classification (germline): Conflicting classifications of pathogenicity. Review status: criteria provided, conflicting classifications (1 of 4 stars). 2 submissions from 2 submitters: Uncertain significance (1); Likely benign (1). Last evaluated 2025-06-25.

Conditions:
Inborn genetic diseases. Identifiers: MedGen C0950123, MeSH D030342.

Allele frequency attached by ClinVar (database versions not stated): gnomAD 0.00001; ExAC 0.00008.
gnomAD v4.1: 33 of 1,613,552 alleles (0.002%); highest among the groups gnomAD compares: South Asian, 0.035%; no homozygotes.

Submissions (2):

Ambry Genetics
Classification: Likely benign for Inborn genetic diseases. Last evaluated: 2025-06-25. Review status: criteria provided, single submitter. Criteria: Ambry Variant Classification Scheme 2023. Collection method: clinical testing. Allele origin: germline.

Labcorp Genetics (formerly Invitae), Labcorp
Classification: Uncertain significance. Last evaluated: 2022-12-10. Review status: criteria provided, single submitter. Criteria: Invitae Variant Classification Sherloc (09022015). Collection method: clinical testing. Allele origin: germline.
Comment: In summary, the available evidence is currently insufficient to determine the role of this variant in disease. Therefore, it has been classified as a Variant of Uncertain Significance. Advanced modeling of protein sequence and biophysical properties (such as structural, functional, and spatial information, amino acid conservation, physicochemical variation, residue mobility, and thermodynamic stability) performed at Invitae indicates that this missense variant is not expected to disrupt MYSM1 protein function. This variant has not been reported in the literature in individuals affected with MYSM1-related conditions. This variant is present in population databases (rs758032156, gnomAD 0.04%). This sequence change replaces phenylalanine, which is neutral and non-polar, with tyrosine, which is neutral and polar, at codon 649 of the MYSM1 protein (p.Phe649Tyr).

NM_001085487.3(MYSM1):c.1946T>A (p.Phe649Tyr)

Gene: MYSM1 (Myb like, SWIRM and MPN domains 1; minus strand). Cytogenetic location: 1p32.1.
Variant type: single nucleotide variant.
Coding change: c.1946T>A on transcript NM_001085487.3 (MANE Select); coding-DNA position 1946, T replaced by A.
Protein change: p.Phe649Tyr; replaces phenylalanine 649 with tyrosine.
Molecular consequence: missense variant.
Genome position (GRCh38, 1-based): chr1:58,667,123, A>T on the plus strand (T>A on the coding strand, the complement: MYSM1 is on the minus strand). VCF-style: chr1-58667123-A-T. GRCh37 (hg19) VCF-style: chr1-59132795-A-T.
Other names: c.1946T>A (NM_001085487.2); short protein forms F649Y.
Identifiers: ClinVar variation 2890121 (VCV002890121.2), dbSNP rs758032156, ClinGen allele CA877642.